The following is an entry in ClinVar:

NM_000443.4(ABCB4):c.331G>T (p.Glu111Ter)

Gene: ABCB4 (ATP binding cassette subfamily B member 4; minus strand). Cytogenetic location: 7q21.12.
Variant type: single nucleotide variant.
Coding change: c.331G>T on transcript NM_000443.4 (MANE Select); coding-DNA position 331, G replaced by T.
Protein change: p.Glu111Ter; replaces glutamic acid 111 with a stop codon.
Molecular consequence: nonsense.
Genome position (GRCh38, 1-based): chr7:87,454,548, C>A on the plus strand (G>T on the coding strand, the complement: ABCB4 is on the minus strand). VCF-style: chr7-87454548-C-A. GRCh37 (hg19) VCF-style: chr7-87083864-C-A.
Other names: c.331G>T, p.Glu111Ter (NM_018849.3, NM_018850.3); short protein forms E111*.
Identifiers: ClinVar variation 4733328 (VCV004733328.1).

ClinVar aggregate classification (germline): Pathogenic (1 of 4 stars; one submission).

Submission:

Labcorp Genetics (formerly Invitae), Labcorp
Classification: Pathogenic. Last evaluated: 2025-12-15. Review status: criteria provided, single submitter. Criteria: Invitae Variant Classification Sherloc (09022015). Collection method: clinical testing. Allele origin: germline.
Comment: This sequence change creates a premature translational stop signal (p.Glu111*) in the ABCB4 gene. It is expected to result in an absent or disrupted protein product. Loss-of-function variants in ABCB4 are known to be pathogenic (PMID: 17726488, 25755532). This variant is not present in population databases (gnomAD no frequency). This variant has not been reported in the literature in individuals affected with ABCB4-related conditions. Algorithms developed to predict the effect of sequence changes on RNA splicing suggest that this variant may disrupt the consensus splice site. For these reasons, this variant has been classified as Pathogenic.

Literature cited by the submitters: PubMed 17726488; PubMed 25755532.